The following is an entry in ClinVar:

ClinVar aggregate classification (germline): Benign/Likely benign. Review status: criteria provided, multiple submitters, no conflicts (2 of 4 stars). 8 submissions from 8 submitters: Benign (4); Likely benign (4). Last evaluated 2026-03-27.

Conditions:
Familial thoracic aortic aneurysm and aortic dissection (TAAD). Also called: Thoracic aortic aneurysms and dissections. Identifiers: Orphanet 91387, MedGen C4707243, MONDO:0019625.
Arterial tortuosity syndrome (ATORS). Identifiers: Orphanet 3342, MedGen C1859726, MONDO:0008818, OMIM 208050.

Allele frequency attached by ClinVar (database versions not stated): TOPMed 0.00010; 1000 Genomes Project 30x 0.00125.
gnomAD v4.1: 641 of 1,614,168 alleles (0.04%); highest among the groups gnomAD compares: South Asian, 0.57%; 6 homozygotes.

Submissions (8):

Molecular Diagnostic Laboratory for Inherited Cardiovascular Disease, Montreal Heart Institute
Classification: Likely benign. Last evaluated: 2026-03-27. Review status: criteria provided, single submitter. Criteria: ACMG Guidelines, 2015. Collection method: clinical testing. Allele origin: germline. Affected: no.
Comment: BS1;BP7

Labcorp Genetics (formerly Invitae), Labcorp
Classification: Benign for Arterial tortuosity syndrome. Last evaluated: 2026-01-28. Review status: criteria provided, single submitter. Criteria: Invitae Variant Classification Sherloc (09022015). Collection method: clinical testing. Allele origin: germline.

Women's Health and Genetics/Laboratory Corporation of America, LabCorp
Classification: Likely benign. Last evaluated: 2025-10-13. Review status: criteria provided, single submitter. Criteria: LabCorp Variant Classification Summary - May 2015. Collection method: clinical testing. Allele origin: germline.

CeGaT Center for Human Genetics Tuebingen
Classification: Likely benign. Last evaluated: 2025-09-01. Review status: criteria provided, single submitter. Criteria: CeGaT Center For Human Genetics Tuebingen Variant Classification Criteria Version 2. Collection method: clinical testing. Allele origin: germline. Affected: yes. Observed: 1 variant allele.
Comment: SLC2A10: BP4, BP7

CHEO Genetics Diagnostic Laboratory, Children's Hospital of Eastern Ontario
Classification: Benign for Familial thoracic aortic aneurysm and aortic dissection. Last evaluated: 2019-08-14. Review status: criteria provided, single submitter. Criteria: ACMG Guidelines, 2015. Collection method: clinical testing. Allele origin: germline.

Illumina Laboratory Services, Illumina
Classification: Likely benign for Arterial tortuosity syndrome. Last evaluated: 2018-01-13. Review status: criteria provided, single submitter. Criteria: ICSL Variant Classification Criteria 13 December 2019. Collection method: clinical testing. Allele origin: germline.
Comment: This variant was observed in the ICSL laboratory as part of a predisposition screen in an ostensibly healthy population. It had not been previously curated by ICSL or reported in the Human Gene Mutation Database (HGMD: prior to June 1st, 2018), and was therefore a candidate for classification through an automated scoring system. Utilizing variant allele frequency, disease prevalence and penetrance estimates, and inheritance mode, an automated score was calculated to assess if this variant is too frequent to cause the disease. Based on the score and internal cut-off values, a variant classified as likely benign is not then subjected to further curation. The score for this variant resulted in a classification of likely benign for this disease.

Ambry Genetics
Classification: Benign for Familial thoracic aortic aneurysm and aortic dissection. Last evaluated: 2017-03-14. Review status: criteria provided, single submitter. Criteria: Ambry Variant Classification Scheme 2023. Collection method: clinical testing. Allele origin: germline.

GeneDx
Classification: Benign. Last evaluated: 2013-05-01. Review status: criteria provided, single submitter. Criteria: GeneDx Variant Classification (06012015). Collection method: clinical testing. Allele origin: germline. Affected: yes.
Comment: This variant is considered likely benign or benign based on one or more of the following criteria: it is a conservative change, it occurs at a poorly conserved position in the protein, it is predicted to be benign by multiple in silico algorithms, and/or has population frequency not consistent with disease.

NM_030777.4(SLC2A10):c.237C>T (p.Leu79=)

Gene: SLC2A10 (solute carrier family 2 member 10; plus strand). Cytogenetic location: 20q13.12.
Variant type: single nucleotide variant.
Coding change: c.237C>T on transcript NM_030777.4 (MANE Select); coding-DNA position 237, C replaced by T.
Protein change: p.Leu79=; no amino-acid change (leucine 79 retained).
Molecular consequence: synonymous variant.
Genome position (GRCh38, 1-based): chr20:46,725,273, C>T. VCF-style: chr20-46725273-C-T. GRCh37 (hg19) VCF-style: chr20-45353912-C-T.
Other names: p.L79L:CTC>CTT.
Identifiers: ClinVar variation 139169 (VCV000139169.29), dbSNP rs201323237, ClinGen allele CA293543.